The following is an entry in ClinVar:

NM_000179.3(MSH6):c.2281A>T (p.Arg761Trp)

Gene: MSH6 (mutS homolog 6; plus strand). Cytogenetic location: 2p16.3.
Variant type: single nucleotide variant.
Coding change: c.2281A>T on transcript NM_000179.3 (MANE Select); coding-DNA position 2281, A replaced by T.
Protein change: p.Arg761Trp; replaces arginine 761 with tryptophan.
Molecular consequence: missense variant.
Genome position (GRCh38, 1-based): chr2:47,800,264, A>T. VCF-style: chr2-47800264-A-T. GRCh37 (hg19) VCF-style: chr2-48027403-A-T.
Other names: c.2281A>T, p.Arg761Trp (NM_001406803.1, NM_001406808.1, NM_001406809.1 and 3 more transcripts); c.2203A>T, p.Arg735Trp (NM_001406804.1); c.1756A>T, p.Arg586Trp (NM_001406807.1, NM_001406806.1, NM_001406799.1); c.1984A>T, p.Arg662Trp (NM_001406805.1, NM_001406797.1, NM_001406801.1 and 10 more transcripts); c.1891A>T, p.Arg631Trp (NM_001281492.2); c.1375A>T, p.Arg459Trp (NM_001281493.2, NM_001281494.2, NM_001406811.1 and 6 more transcripts); c.2377A>T, p.Arg793Trp (NM_001406795.1, NM_001406802.1); c.2287A>T, p.Arg763Trp (NM_001406813.1); and 1 more; short protein forms R459W, R631W, R662W, R735W, R705W, R763W, R586W, R761W.
Identifiers: ClinVar variation 1788943 (VCV001788943.2), dbSNP rs199876321, ClinGen allele CA346752890.
Genomic context (GRCh38, chr2:47,800,264, plus strand): 5'-AACAACTTGGAGATTTTTCTGAATGGAACAAATGGTTCTACTGAAGGAACCCTACTAGAG[A>T]GGGTTGATACTTGCCATACTCCTTTTGGTAAGCGGCTCCTAAAGCAATGGCTTTGTGCCC-3'
Protein context (NP_000170.1, residues 751-771): NGSTEGTLLE[Arg761Trp]VDTCHTPFGK

ClinVar aggregate classification (germline): Uncertain significance (1 of 4 stars; one submission).

Conditions:
Hereditary cancer-predisposing syndrome. Also called: Hereditary Cancer Syndrome; Hereditary neoplastic syndrome; Tumor predisposition; Neoplastic Syndromes, Hereditary. Identifiers: Orphanet 140162, MedGen C0027672, MeSH D009386, MONDO:0015356.

Submission:

Ambry Genetics
Classification: Uncertain significance for Hereditary cancer-predisposing syndrome. Last evaluated: 2022-06-16. Review status: criteria provided, single submitter. Criteria: Ambry Variant Classification Scheme 2023. Collection method: clinical testing. Allele origin: germline.
Comment: The p.R761W variant (also known as c.2281A>T), located in coding exon 4 of the MSH6 gene, results from an A to T substitution at nucleotide position 2281. The arginine at codon 761 is replaced by tryptophan, an amino acid with dissimilar properties. This amino acid position is conserved. In addition, the in silico prediction for this alteration is inconclusive. Since supporting evidence is limited at this time, the clinical significance of this alteration remains unclear.